The following is an entry in ClinVar:

NM_012281.3(KCND2):c.1204G>C (p.Val402Leu)

Gene: KCND2 (potassium voltage-gated channel subfamily D member 2; plus strand). Cytogenetic location: 7q31.31.
Variant type: single nucleotide variant.
Coding change: c.1204G>C on transcript NM_012281.3 (MANE Select); coding-DNA position 1204, G replaced by C.
Protein change: p.Val402Leu; replaces valine 402 with leucine.
Molecular consequence: missense variant.
Genome position (GRCh38, 1-based): chr7:120,732,991, G>C. VCF-style: chr7-120732991-G-C. GRCh37 (hg19) VCF-style: chr7-120373045-G-C.
Other names: short protein forms V402L.
Identifiers: ClinVar variation 1297091 (VCV001297091.2), dbSNP rs2485192842, ClinGen allele CA369134167.

ClinVar aggregate classification (germline): Likely pathogenic (1 of 4 stars; one submission).

Submission:

GeneDx
Classification: Likely pathogenic. Last evaluated: 2021-09-23. Review status: criteria provided, single submitter. Criteria: GeneDx Variant Classification Process June 2021. Collection method: clinical testing. Allele origin: germline. Affected: yes.
Comment: Not observed at significant frequency in large population cohorts (Lek et al., 2016); In silico analysis supports that this missense variant does not alter protein structure/function; Has not been previously published as pathogenic or benign to our knowledge